The following is an entry in ClinVar:

NM_000271.5(NPC1):c.1275G>A (p.Ser425=)

Gene: NPC1 (NPC intracellular cholesterol transporter 1; minus strand). Cytogenetic location: 18q11.2.
Variant type: single nucleotide variant.
Coding change: c.1275G>A on transcript NM_000271.5 (MANE Select); coding-DNA position 1275, G replaced by A.
Protein change: p.Ser425=; no amino-acid change (serine 425 retained).
Molecular consequence: synonymous variant.
Genome position (GRCh38, 1-based): chr18:23,556,294, C>T on the plus strand (G>A on the coding strand, the complement: NPC1 is on the minus strand). VCF-style: chr18-23556294-C-T. GRCh37 (hg19) VCF-style: chr18-21136258-C-T.
Identifiers: ClinVar variation 80779 (VCV000080779.12), dbSNP rs190032589, ClinGen allele CA8913504.

ClinVar aggregate classification (germline): Likely benign. Review status: criteria provided, multiple submitters, no conflicts (2 of 4 stars). 4 submissions from 4 submitters: Likely benign (3). 1 of the submissions does not count toward it. Last evaluated 2026-06-30.

Conditions:
NPC1-related disorder. Also called: NPC1-related condition.
Inborn genetic diseases. Identifiers: MedGen C0950123, MeSH D030342.
Niemann-Pick disease, type C1. Also called: NIEMANN-PICK DISEASE, VARIANT TYPE C1; NEUROVISCERAL STORAGE DISEASE WITH VERTICAL SUPRANUCLEAR OPHTHALMOPLEGIA; NIEMANN-PICK DISEASE WITH CHOLESTEROL ESTERIFICATION BLOCK; NIEMANN-PICK DISEASE WITHOUT SPHINGOMYELINASE DEFICIENCY; NIEMANN-PICK DISEASE, CHRONIC NEURONOPATHIC FORM. Identifiers: Orphanet 646, MedGen C3179455, MONDO:0009757, OMIM 257220.

Allele frequency attached by ClinVar (database versions not stated): gnomAD exomes 0.00002 and 0.00011; gnomAD 0.00004; TOPMed 0.00004; ExAC 0.00009; 1000 Genomes Project 0.00020.
gnomAD v4.1: 36 of 1,614,052 alleles (0.0022%); highest among the groups gnomAD compares: East Asian, 0.047%; no homozygotes.

Submissions (4):

PreventionGenetics, part of Exact Sciences
Classification: Likely benign for NPC1-related condition. Last evaluated: 2026-06-30. Review status: criteria provided, single submitter. Criteria: ACMG Guidelines, 2015. Collection method: clinical testing. Allele origin: germline.
Comment: This variant is classified as likely benign based on ACMG/AMP sequence variant interpretation guidelines (Richards et al. 2015 PMID: 25741868, with internal and published modifications).

Labcorp Genetics (formerly Invitae), Labcorp
Classification: Likely benign for Niemann-Pick disease, type C1. Last evaluated: 2025-10-01. Review status: criteria provided, single submitter. Criteria: Invitae Variant Classification Sherloc (09022015). Collection method: clinical testing. Allele origin: germline.

Ambry Genetics
Classification: Likely benign for Inborn genetic diseases. Last evaluated: 2024-07-28. Review status: criteria provided, single submitter. Criteria: Ambry Variant Classification Scheme 2023. Collection method: clinical testing. Allele origin: germline.

Counsyl
Classification: Likely benign for Niemann-Pick disease, type C1. Last evaluated: 2018-01-05. Review status: no assertion criteria provided. Collection method: clinical testing. Allele origin: unknown. Not counted in ClinVar's aggregate classification.